The following is an entry in ClinVar:

NM_014370.4(SRPK3):c.1179C>T (p.Asn393=)

Gene: SRPK3 (SRSF protein kinase 3; plus strand). Cytogenetic location: Xq28.
Variant type: single nucleotide variant.
Coding change: c.1179C>T on transcript NM_014370.4 (MANE Select); coding-DNA position 1179, C replaced by T.
Protein change: p.Asn393=; no amino-acid change (asparagine 393 retained).
Molecular consequence: synonymous variant.
Genome position (GRCh38, 1-based): chrX:153,784,325, C>T. VCF-style: chrX-153784325-C-T. GRCh37 (hg19) VCF-style: chrX-153049780-C-T.
Other names: c.1176C>T, p.Asn392= (NM_001170760.2); c.1077C>T, p.Asn359= (NM_001170761.2).
Identifiers: ClinVar variation 4998462 (VCV004998462.1).

ClinVar aggregate classification (germline): Likely benign (1 of 4 stars; one submission).

Conditions:
SRPK3-related disorder. Also called: SRPK3-related condition.

gnomAD v4.1: 73 of 1,210,056 alleles (0.006%); highest among the groups gnomAD compares: Non-Finnish European, 0.008%; no homozygotes.

Submission:

PreventionGenetics, part of Exact Sciences
Classification: Likely benign for SRPK3-related condition. Last evaluated: 2026-04-20. Review status: criteria provided, single submitter. Criteria: ACMG Guidelines, 2015. Collection method: clinical testing. Allele origin: germline.
Comment: This variant is classified as likely benign based on ACMG/AMP sequence variant interpretation guidelines (Richards et al. 2015 PMID: 25741868, with internal and published modifications).